The following is an entry in ClinVar:

ClinVar aggregate classification (germline): Pathogenic/Likely pathogenic. Review status: criteria provided, multiple submitters, no conflicts (2 of 4 stars). 8 submissions from 8 submitters: Pathogenic (2); Likely pathogenic (5). 1 of the submissions does not count toward it. Last evaluated 2026-10-14.

Conditions:
Congenital primary aphakia. Also called: ANTERIOR SEGMENT DYSGENESIS 2; Anterior segment dysgenesis 2, multiple subtypes. Identifiers: Orphanet 83461, MedGen C1853230, MONDO:0012456, OMIM 610256.
Cataract 34 multiple types. Also called: CATARACT 34, MULTIPLE TYPES, WITH OR WITHOUT MICROCORNEA. Identifiers: Orphanet 91492, MedGen C2751822, MONDO:0013067, OMIM 612968.
Cardiovascular phenotype. Identifiers: MedGen CN230736.
FOXE3-related disorder. Also called: FOXE3-related condition.
Anterior segment dysgenesis. Also called: Ocular anterior segment dysgenesis. Identifiers: Orphanet 88632, MedGen C1862839, MONDO:0019503, HP:0007700.

Allele frequency attached by ClinVar (database versions not stated): gnomAD exomes 0.00005 and 0.00004; gnomAD 0.00007 and 0.00005; ESP Exome Variant Server 0.00008; TOPMed 0.00006; ExAC 0.00007.

Submissions (8):

GeneDx
Classification: Likely pathogenic. Last evaluated: 2026-10-14. Review status: criteria provided, single submitter. Criteria: GeneDx Variant Classification Process June 2021. Collection method: clinical testing. Allele origin: germline.
Comment: This variant is associated with the following publications: (PMID: 34046667, 30187164, 29314435, 34426522, 31589614, 35170016, 29136273, Hameed_2025_Review)

Ambry Genetics
Classification: Likely pathogenic for Cardiovascular phenotype. Last evaluated: 2025-09-26. Review status: criteria provided, single submitter. Criteria: Ambry Variant Classification Scheme 2023. Collection method: clinical testing. Allele origin: germline.
Comment: The c.232G>A (p.A78T) alteration is located in exon 1 (coding exon 1) of the FOXE3 gene. This alteration results from a G to A substitution at nucleotide position 232, causing the alanine (A) at amino acid position 78 to be replaced by a threonine (T). for autosomal recessive FOXE3-related ocular developmental disorder; however, it is unlikely to be causative of autosomal dominant FOXE3-related ocular developmental disorder. Based on data from gnomAD, the A allele has an overall frequency of 0.004% (10/248542) total alleles studied. The highest observed frequency was 0.01% (3/31266) of Latino alleles. This variant has been identified in the homozygous state and/or in conjunction with other FOXE3 variants in individuals with features consistent with autosomal recessive FOXE3-related ocular developmental disorder; in at least one instance, the variants were identified in trans (Plaisanci&eacute;, 2018; Reis, 2021; Chesneau, 2022). This amino acid position is highly conserved in available vertebrate species. The in silico prediction for this alteration is inconclusive. Based on the available evidence, this alteration is classified as likely pathogenic.

First Genomix Gene Laboratory, Genetic Diagnostics Department
Classification: Pathogenic for Congenital primary aphakia; Cataract 34 multiple types. Last evaluated: 2025-09-15. Review status: criteria provided, single submitter. Criteria: ACMG Guidelines, 2015. Collection method: clinical testing. Allele origin: germline. Inheritance: Autosomal recessive inheritance. Affected: no. Observed: 1 variant allele.

Labcorp Genetics (formerly Invitae), Labcorp
Classification: Pathogenic for Anterior segment dysgenesis; Congenital primary aphakia. Last evaluated: 2025-05-17. Review status: criteria provided, single submitter. Criteria: Invitae Variant Classification Sherloc (09022015). Collection method: clinical testing. Allele origin: germline.
Comment: This sequence change replaces alanine, which is neutral and non-polar, with threonine, which is neutral and polar, at codon 78 of the FOXE3 protein (p.Ala78Thr). The frequency data for this variant in the population databases is considered unreliable, as metrics indicate poor data quality at this position in the gnomAD database. This missense change has been observed in individual(s) with autosomal recessive FOXE3-related conditions (PMID: 29136273, 34046667, 35170016). In at least one individual the data is consistent with being in trans (on the opposite chromosome) from a pathogenic variant. It has also been observed to segregate with disease in related individuals. ClinVar contains an entry for this variant (Variation ID: 427852). Invitae Evidence Modeling of protein sequence and biophysical properties (such as structural, functional, and spatial information, amino acid conservation, physicochemical variation, residue mobility, and thermodynamic stability) indicates that this missense variant is expected to disrupt FOXE3 protein function with a positive predictive value of 80%. For these reasons, this variant has been classified as Pathogenic.

PreventionGenetics, part of Exact Sciences
Classification: Likely pathogenic for FOXE3-related condition. Last evaluated: 2025-03-17. Review status: criteria provided, single submitter. Criteria: ACMG Guidelines, 2015. Collection method: clinical testing. Allele origin: germline.
Comment: The FOXE3 c.232G>A variant is predicted to result in the amino acid substitution p.Ala78Thr. This variant has been reported in the homozygous and compound heterozygous states in individuals with microphthalmia (Plaisancié et al. 2017. PubMed ID: 29136273; Reis et al. 2021. PubMed ID: 34046667; Chesneau et al. 2022. PubMed ID: 35170016). This variant is present in 0.0096% of alleles in individuals of Latino descent in gnomAD. This variant is interpreted as likely pathogenic for autosomal recessive disease.

ARUP Laboratories, Molecular Genetics and Genomics, ARUP Laboratories
Classification: Likely pathogenic. Last evaluated: 2023-03-28. Review status: criteria provided, single submitter. Criteria: ARUP Molecular Germline Variant Investigation Process 2024. Collection method: clinical testing. Allele origin: germline.
Comment: The FOXE3 c.232G>A; p.Ala78Thr variant (rs377669670) is reported in both the homozygous and compound heterozygous states in individuals with FOXE3-related ocular disorders (Chesneau 2022, Plaisancie 2018, Reis 2021). This variant is also reported in ClinVar (Variation ID: 427852). It is observed in the general population with a low overall allele frequency of 0.004% (10/248542 alleles) in the Genome Aggregation Database. Computational analyses predict that this variant is deleterious (REVEL: 0.862). Based on available information, this variant is considered to be likely pathogenic for autosomal recessive anterior segment dysgenesis 2. It is uncertain whether or not this variant would cause susceptibility to familial thoracic aortic aneurysm 11. References: Chesneau B et al. First evidence of SOX2 mutations in Peters' anomaly: Lessons from molecular screening of 95 patients. Clin Genet. 2022 May;101(5-6):494-506. PMID: 35170016. Plaisancie J et al. FOXE3 mutations: genotype-phenotype correlations. Clin Genet. 2018 Apr;93(4):837-845. PMID: 29136273. Reis LM et al. Comprehensive phenotypic and functional analysis of dominant and recessive FOXE3 alleles in ocular developmental disorders. Hum Mol Genet. 2021 Aug 12;30(17):1591-1606. PMID: 34046667.

Genetics Department, University Hospital of Toulouse
Classification: Likely pathogenic for Congenital primary aphakia. Last evaluated: 2017-06-01. Review status: criteria provided, single submitter. Criteria: ACMG Guidelines, 2015. Collection method: clinical testing. Allele origin: germline. Inheritance: Autosomal recessive inheritance. Affected: yes. Observed: 2 variant alleles, 1 compound heterozygote, 1 homozygote.

Genomics, Genetics and Epigenetics Laboratory, Medical College of Wisconsin
Classification: Pathogenic for Congenital primary aphakia. Last evaluated: 2021-05-01. Review status: no assertion criteria provided. Collection method: research. Allele origin: germline. Affected: yes. Not counted in ClinVar's aggregate classification.

Literature cited by the submitters: PubMed 29136273 (cited by Ambry Genetics and Labcorp Genetics (formerly Invitae), Labcorp); PubMed 34046667 (cited by 3 submitters); PubMed 35170016 (cited by Ambry Genetics and Labcorp Genetics (formerly Invitae), Labcorp).

NM_012186.3(FOXE3):c.232G>A (p.Ala78Thr)

Genes: FOXE3 (forkhead box E3; plus strand), LINC01389 (long independently transcribed non-coding RNA 1389; minus strand). Cytogenetic location: 1p33.
Variant type: single nucleotide variant.
Coding change: c.232G>A on transcript NM_012186.3 (MANE Select); coding-DNA position 232, G replaced by A.
Protein change: p.Ala78Thr; replaces alanine 78 with threonine.
Molecular consequence: missense variant.
Genome position (GRCh38, 1-based): chr1:47,416,547, G>A. VCF-style: chr1-47416547-G-A. GRCh37 (hg19) VCF-style: chr1-47882219-G-A.
Other names: short protein forms A78T.
Identifiers: ClinVar variation 427852 (VCV000427852.16), dbSNP rs377669670, ClinGen allele CA842917.
Genomic context (GRCh38, chr1:47,416,547, plus strand): 5'-GGCCCGGGGCGGCGGCGGCGGCGGCCCCTGCAGCGCGGGAAGCCGCCCTACTCGTACATC[G>A]CGCTCATCGCCATGGCTCTGGCGCACGCCCCGGGCCGCCGCCTCACGCTGGCCGCCATCT-3'
Protein context (NP_036318.1, residues 68-88): QRGKPPYSYI[Ala78Thr]LIAMALAHAP